The following is an entry in ClinVar:

NM_001048174.2(MUTYH):c.704G>C (p.Trp235Ser)

Gene: MUTYH (mutY DNA glycosylase; minus strand). Cytogenetic location: 1p34.1.
Variant type: single nucleotide variant.
Coding change: c.704G>C on transcript NM_001048174.2 (MANE Select); coding-DNA position 704, G replaced by C.
Protein change: p.Trp235Ser; replaces tryptophan 235 with serine.
Molecular consequence: missense variant. On other transcripts: non-coding transcript variant (2).
Genome position (GRCh38, 1-based): chr1:45,332,391, C>G on the plus strand (G>C on the coding strand, the complement: MUTYH is on the minus strand). VCF-style: chr1-45332391-C-G. GRCh37 (hg19) VCF-style: chr1-45798063-C-G.
Other names: c.704G>C, p.Trp235Ser (NM_001048171.2, NM_001048173.2, NM_001293195.2); c.707G>C, p.Trp236Ser (NM_001048172.2); c.788G>C, p.Trp263Ser (NM_001128425.2); c.749G>C, p.Trp250Ser (NM_001293190.2); c.737G>C, p.Trp246Ser (NM_001293191.2); c.428G>C, p.Trp143Ser (NM_001293192.2, NM_001293196.2); c.359G>C, p.Trp120Ser (NM_001350650.2, NM_001350651.2); c.779G>C, p.Trp260Ser (NM_012222.3); short protein forms W260S, W235S, W246S, W250S, W263S, W120S, W143S, W236S.
Identifiers: ClinVar variation 862299 (VCV000862299.11), dbSNP rs1570406302, ClinGen allele CA340134746.
Genomic context (GRCh38, chr1:45,332,391, plus strand): 5'-TGTGAAGCAGAGCTCCTTTGCAGACACCCCTGAAGCACCCTTGTTACCCCAACATCCTAC[C>G]AGAGCTGCTGGGAAACAAGGGTGCTGCTGGGATCAGCACCAATGGCTCGGACACGGCACA-3'
Protein context (NP_001041639.1, residues 225-245): PSSTLVSQQL[Trp235Ser]GLAQQLVDPA

ClinVar aggregate classification (germline): Conflicting classifications of pathogenicity. Review status: criteria provided, conflicting classifications (1 of 4 stars). 3 submissions from 3 submitters: Likely pathogenic (1); Uncertain significance (2). Last evaluated 2025-12-21.

Conditions:
Hereditary cancer-predisposing syndrome. Also called: Neoplastic Syndromes, Hereditary; Hereditary neoplastic syndrome; Tumor predisposition; Hereditary Cancer Syndrome. Identifiers: Orphanet 140162, MedGen C0027672, MeSH D009386, MONDO:0015356.
Familial adenomatous polyposis 2. Also called: MYH-associated polyposis; FAP type 2; MUTYH-related attenuated familial adenomatous polyposis; Adenomas, multiple colorectal; ADENOMAS, MULTIPLE COLORECTAL, AUTOSOMAL RECESSIVE; MUTYH Polyposis. Identifiers: Orphanet 220460, Orphanet 247798, MedGen C3272841, MONDO:0012041, OMIM 608456.

Submissions (3):

Labcorp Genetics (formerly Invitae), Labcorp
Classification: Likely pathogenic for Familial adenomatous polyposis 2. Last evaluated: 2025-12-21. Review status: criteria provided, single submitter. Criteria: Invitae Variant Classification Sherloc (09022015). Collection method: clinical testing. Allele origin: germline.
Comment: This sequence change replaces tryptophan, which is neutral and slightly polar, with serine, which is neutral and polar, at codon 263 of the MUTYH protein (p.Trp263Ser). This variant also falls at the last nucleotide of exon 9, which is part of the consensus splice site for this exon. This variant is not present in population databases (gnomAD no frequency). This missense change has been observed in individual(s) with clinical features of MUTYH-related polyposis (internal data). In at least one individual the data is consistent with being in trans (on the opposite chromosome) from a pathogenic variant. It has also been observed to segregate with disease in related individuals. ClinVar contains an entry for this variant (Variation ID: 862299). An algorithm developed to predict the effect of missense changes on protein structure and function (PolyPhen-2) suggests that this variant is likely to be disruptive. Variants that disrupt the consensus splice site are a relatively common cause of aberrant splicing (PMID: 17576681, 9536098). Algorithms developed to predict the effect of sequence changes on RNA splicing suggest that this variant may disrupt the consensus splice site. In summary, the currently available evidence indicates that the variant is pathogenic, but additional data are needed to prove that conclusively. Therefore, this variant has been classified as Likely Pathogenic.

All of Us Research Program, National Institutes of Health
Classification: Uncertain significance for Familial adenomatous polyposis 2. Last evaluated: 2023-11-20. Review status: criteria provided, single submitter. Criteria: ACMG Guidelines, 2015. Collection method: clinical testing. Allele origin: germline. Inheritance: Autosomal recessive inheritance. Observed: 1 variant allele, 1 heterozygote.
Comment: This missense variant replaces tryptophan with serine at codon 263 of the MUTYH protein. Computational prediction suggests that this variant may have deleterious impact on protein structure and function (internally defined REVEL score threshold >= 0.7, PMID: 27666373). This variant alters the terminal guanine of exon 9. Splice prediction tools suggest that this variant may disrupt RNA splicing, however to our knowledge, RNA studies have not been reported for this variant. This variant has been observed in individual(s) with clinical indications of autosomal recessive MUTYH-associated polyposis (ClinVar Accession: SCV001234133.4), indicating that this variant may contribute to disease. This variant has not been identified in the general population by the Genome Aggregation Database (gnomAD). The available evidence is insufficient to determine the role of this variant in disease conclusively. Therefore, this variant is classified as a Variant of Uncertain Significance.

This study involves interpretation of variants in research participants for the purpose of population health screening. Participant phenotype was not available at the time of variant classification. Additional details can be found in publication PMID: 35346344, PMCID: PMC8962531

Color Diagnostics, LLC DBA Color Health
Classification: Uncertain significance for Hereditary cancer-predisposing syndrome. Last evaluated: 2023-09-08. Review status: criteria provided, single submitter. Criteria: ACMG Guidelines, 2015. Collection method: clinical testing. Allele origin: germline.
Comment: This missense variant replaces tryptophan with serine at codon 263 of the MUTYH protein. Computational prediction suggests that this variant may have deleterious impact on protein structure and function (internally defined REVEL score threshold >= 0.7, PMID: 27666373). This variant alters the terminal guanine of exon 9. Splice prediction tools suggest that this variant may disrupt RNA splicing, however to our knowledge, RNA studies have not been reported for this variant. This variant has been observed in individual(s) with clinical indications of autosomal recessive MUTYH-associated polyposis (ClinVar Accession: SCV001234133.4), indicating that this variant may contribute to disease. This variant has not been identified in the general population by the Genome Aggregation Database (gnomAD). The available evidence is insufficient to determine the role of this variant in disease conclusively. Therefore, this variant is classified as a Variant of Uncertain Significance.

Literature cited by the submitters: PubMed 17576681 (cited by Labcorp Genetics (formerly Invitae), Labcorp); PubMed 9536098 (cited by Labcorp Genetics (formerly Invitae), Labcorp).